The following is an entry in ClinVar:

NM_000535.7(PMS2):c.1871C>A (p.Ser624Tyr)

Gene: PMS2 (PMS1 homolog 2, mismatch repair system component; minus strand). Cytogenetic location: 7p22.1.
Variant type: single nucleotide variant.
Coding change: c.1871C>A on transcript NM_000535.7 (MANE Select); coding-DNA position 1871, C replaced by A.
Protein change: p.Ser624Tyr; replaces serine 624 with tyrosine.
Molecular consequence: missense variant. On other transcripts: non-coding transcript variant (1).
Genome position (GRCh38, 1-based): chr7:5,986,894, G>T on the plus strand (C>A on the coding strand, the complement: PMS2 is on the minus strand). VCF-style: chr7-5986894-G-T. GRCh37 (hg19) VCF-style: chr7-6026525-G-T.
Other names: c.1562C>A, p.Ser521Tyr (NM_001406878.1, NM_001406875.1, NM_001406877.1 and 5 more transcripts); c.1703C>A, p.Ser568Tyr (NM_001406874.1); c.1673C>A, p.Ser558Tyr (NM_001406873.1); c.1553C>A, p.Ser518Tyr (NM_001406876.1, NM_001322007.2, NM_001322008.2 and 2 more transcripts); c.1466C>A, p.Ser489Tyr (NM_001018040.1, NM_001322003.2, NM_001322004.2 and 17 more transcripts); c.1715C>A, p.Ser572Tyr (NM_001322006.2, NM_001406870.1); c.1310C>A, p.Ser437Tyr (NM_001322010.2, NM_001406906.1, NM_001406907.1); c.938C>A, p.Ser313Tyr (NM_001322011.2, NM_001322012.2); and 12 more; short protein forms S313Y, S453Y, S512Y, S588Y, S367Y, S469Y, S521Y, S632Y.
Identifiers: ClinVar variation 1781695 (VCV001781695.4), dbSNP rs2128722016, ClinGen allele CA366739492.

ClinVar aggregate classification (germline): Uncertain significance. Review status: criteria provided, multiple submitters, no conflicts (2 of 4 stars). 2 submissions from 2 submitters: Uncertain significance (2). Last evaluated 2024-03-04.

Conditions:
Hereditary nonpolyposis colorectal neoplasms. Identifiers: MedGen C0009405, MeSH D003123.
Hereditary cancer-predisposing syndrome. Also called: Neoplastic Syndromes, Hereditary; Tumor predisposition; Hereditary Cancer Syndrome; Hereditary neoplastic syndrome. Identifiers: Orphanet 140162, MedGen C0027672, MeSH D009386, MONDO:0015356.

Submissions (2):

Labcorp Genetics (formerly Invitae), Labcorp
Classification: Uncertain significance for Hereditary nonpolyposis colorectal neoplasms. Last evaluated: 2024-03-04. Review status: criteria provided, single submitter. Criteria: Invitae Variant Classification Sherloc (09022015). Collection method: clinical testing. Allele origin: germline.
Comment: This sequence change replaces serine, which is neutral and polar, with tyrosine, which is neutral and polar, at codon 624 of the PMS2 protein (p.Ser624Tyr). This variant is not present in population databases (gnomAD no frequency). This variant has not been reported in the literature in individuals affected with PMS2-related conditions. ClinVar contains an entry for this variant (Variation ID: 1781695). Advanced modeling of protein sequence and biophysical properties (such as structural, functional, and spatial information, amino acid conservation, physicochemical variation, residue mobility, and thermodynamic stability) performed at Invitae indicates that this missense variant is expected to disrupt PMS2 protein function with a positive predictive value of 80%. In summary, the available evidence is currently insufficient to determine the role of this variant in disease. Therefore, it has been classified as a Variant of Uncertain Significance.

Ambry Genetics
Classification: Uncertain significance for Hereditary cancer-predisposing syndrome. Last evaluated: 2022-03-29. Review status: criteria provided, single submitter. Criteria: Ambry Variant Classification Scheme 2023. Collection method: clinical testing. Allele origin: germline.
Comment: The p.S624Y variant (also known as c.1871C>A), located in coding exon 11 of the PMS2 gene, results from a C to A substitution at nucleotide position 1871. The serine at codon 624 is replaced by tyrosine, an amino acid with dissimilar properties. This amino acid position is not well conserved in available vertebrate species. In addition, this alteration is predicted to be tolerated by in silico analysis. Since supporting evidence is limited at this time, the clinical significance of this alteration remains unclear.